The following is an entry in ClinVar:

ClinVar aggregate classification (germline): Uncertain significance (1 of 4 stars; one submission).

Allele frequency attached by ClinVar (database versions not stated): TOPMed 0.00001.

Submission:

Labcorp Genetics (formerly Invitae), Labcorp
Classification: Uncertain significance. Last evaluated: 2025-12-16. Review status: criteria provided, single submitter. Criteria: Invitae Variant Classification Sherloc (09022015). Collection method: clinical testing. Allele origin: germline.
Comment: This sequence change replaces glutamine, which is neutral and polar, with histidine, which is basic and polar, at codon 667 of the DLL4 protein (p.Gln667His). This variant is not present in population databases (gnomAD no frequency). This variant has not been reported in the literature in individuals affected with DLL4-related conditions. ClinVar contains an entry for this variant (Variation ID: 2977283). Invitae Evidence Modeling of protein sequence and biophysical properties (such as structural, functional, and spatial information, amino acid conservation, physicochemical variation, residue mobility, and thermodynamic stability) indicates that this missense variant is not expected to disrupt DLL4 protein function with a negative predictive value of 80%. In summary, the available evidence is currently insufficient to determine the role of this variant in disease. Therefore, it has been classified as a Variant of Uncertain Significance.

NM_019074.4(DLL4):c.2001G>C (p.Gln667His)

Gene: DLL4 (delta like canonical Notch ligand 4; plus strand). Cytogenetic location: 15q15.1.
Variant type: single nucleotide variant.
Coding change: c.2001G>C on transcript NM_019074.4 (MANE Select); coding-DNA position 2001, G replaced by C.
Protein change: p.Gln667His; replaces glutamine 667 with histidine.
Molecular consequence: missense variant.
Genome position (GRCh38, 1-based): chr15:40,937,475, G>C. VCF-style: chr15-40937475-G-C. GRCh37 (hg19) VCF-style: chr15-41229673-G-C.
Other names: short protein forms Q667H.
Identifiers: ClinVar variation 2977283 (VCV002977283.3), dbSNP rs1892861771, ClinGen allele CA391783408.
Genomic context (GRCh38, chr15:40,937,475, plus strand): 5'-CAGTGAAAAGCCAGAGTGTCGGATATCAGCGATATGCTCCCCCAGGGACTCCATGTACCA[G>C]TCTGTGTGTTTGATATCAGAGGAGAGGAATGAATGTGTCATTGCCACGGAGGTGAGTGCT-3'
Protein context (NP_061947.1, residues 657-677): AICSPRDSMY[Gln667His]SVCLISEERN